The following is an entry in ClinVar:

NM_001278116.2(L1CAM):c.991+4T>A

Gene: L1CAM (L1 cell adhesion molecule; minus strand). Cytogenetic location: Xq28.
Variant type: single nucleotide variant.
Coding change: c.991+4T>A on transcript NM_001278116.2 (MANE Select); 4 bases into the intron after coding-DNA position 991, T replaced by A.
Molecular consequence: intron variant.
Genome position (GRCh38, 1-based): chrX:153,870,052, A>T on the plus strand (T>A on the coding strand, the complement: L1CAM is on the minus strand). VCF-style: chrX-153870052-A-T. GRCh37 (hg19) VCF-style: chrX-153135507-A-T.
Other names: c.976+4T>A (NM_001143963.2); c.991+4T>A (NM_024003.3, NM_000425.5).
Identifiers: ClinVar variation 1768593 (VCV001768593.2), dbSNP rs2521016404, ClinGen allele CA2579732973.
Genomic context (GRCh38, chrX:153,870,052, plus strand): 5'-GCGCAGACCCTCCCCTCCCCCATGACAGTGGGCATCACAGGCCACTGTCCCAGGAGGTCC[A>T]TACCCTCCACGGTGACATAGTACGCATGCCGGGCACTGCCCAGTGAGTTCTCGGCCAGGC-3'

ClinVar aggregate classification (germline): Uncertain significance (1 of 4 stars; one submission).

Conditions:
Inborn genetic diseases. Identifiers: MedGen C0950123, MeSH D030342.

Allele frequency attached by ClinVar (database versions not stated): gnomAD exomes below 0.00001.
gnomAD v4.1: 1 of 1,210,917 alleles (0.000083%); highest among the groups gnomAD compares: Non-Finnish European, 0.00011%; no homozygotes.

Submission:

Ambry Genetics
Classification: Uncertain significance for Inborn genetic diseases. Last evaluated: 2017-07-20. Review status: criteria provided, single submitter. Criteria: Ambry Variant Classification Scheme 2023. Collection method: clinical testing. Allele origin: germline.
Comment: The c.991+4T>A intronic variant results from a T to A substitution 4 nucleotides after coding exon 8 in the L1CAM gene. This nucleotide position is not well conserved in available vertebrate species. Using the BDGP and ESEfinder splice site prediction tools, this alteration is not predicted to have any significant effect on this splice donor site; however, direct evidence is unavailable. Since supporting evidence is limited at this time, the clinical significance of this alteration remains unclear.